The following is an entry in ClinVar:

NM_003673.4(TCAP):c.198G>C (p.Trp66Cys)

Gene: TCAP (titin-cap; plus strand). Cytogenetic location: 17q12.
Variant type: single nucleotide variant.
Coding change: c.198G>C on transcript NM_003673.4 (MANE Select); coding-DNA position 198, G replaced by C.
Protein change: p.Trp66Cys; replaces tryptophan 66 with cysteine.
Molecular consequence: missense variant.
Genome position (GRCh38, 1-based): chr17:39,665,803, G>C. VCF-style: chr17-39665803-G-C. GRCh37 (hg19) VCF-style: chr17-37822056-G-C.
Other names: short protein forms W66C.
Identifiers: ClinVar variation 2923530 (VCV002923530.4), dbSNP rs777153450, ClinGen allele CA8532874.
Genomic context (GRCh38, chr17:39,665,803, plus strand): 5'-GAGACATGAGACCTACCACCAGCAGGGGCAGTGCCAGGTGCTGGTGCAGCGCTCGCCCTG[G>C]CTGATGATGCGGATGGGCATCCTCGGCCGTGGGCTGCAGGAGTACCAGCTGCCCTACCAG-3'
Protein context (NP_003664.1, residues 56-76): QCQVLVQRSP[Trp66Cys]LMMRMGILGR

ClinVar aggregate classification (germline): Uncertain significance. Review status: criteria provided, multiple submitters, no conflicts (2 of 4 stars). 2 submissions from 2 submitters: Uncertain significance (2). Last evaluated 2026-06-15.

Conditions:
Primary familial hypertrophic cardiomyopathy (HCM). Identifiers: Orphanet 99739, MedGen C0949658, MeSH D024741, MONDO:0024573. Inheritance: Various modes of inheritance.
Hypertrophic cardiomyopathy 25 (CMH25). Also called: CARDIOMYOPATHY, FAMILIAL HYPERTROPHIC, 25. Identifiers: MedGen C4225408, MONDO:0011843, OMIM 607487.
Cardiovascular phenotype. Identifiers: MedGen CN230736.

Allele frequency attached by ClinVar (database versions not stated): gnomAD exomes below 0.00001; gnomAD 0.00001; TOPMed 0.00001; ExAC 0.00001.

Submissions (2):

Ambry Genetics
Classification: Uncertain significance for Cardiovascular phenotype. Last evaluated: 2026-06-15. Review status: criteria provided, single submitter. Criteria: Ambry Variant Classification Scheme 2023. Collection method: clinical testing. Allele origin: germline.
Comment: The p.W66C variant (also known as c.198G>C), located in coding exon 2 of the TCAP gene, results from a G to C substitution at nucleotide position 198. The tryptophan at codon 66 is replaced by cysteine, an amino acid with highly dissimilar properties. This amino acid position is conserved. In addition, the in silico prediction for this alteration is inconclusive. Based on the available evidence, the clinical significance of this variant remains unclear.

Labcorp Genetics (formerly Invitae), Labcorp
Classification: Uncertain significance for Hypertrophic cardiomyopathy 25; Primary familial hypertrophic cardiomyopathy. Last evaluated: 2022-12-03. Review status: criteria provided, single submitter. Criteria: Invitae Variant Classification Sherloc (09022015). Collection method: clinical testing. Allele origin: germline.
Comment: This sequence change replaces tryptophan, which is neutral and slightly polar, with cysteine, which is neutral and slightly polar, at codon 66 of the TCAP protein (p.Trp66Cys). This variant is present in population databases (rs777153450, gnomAD 0.0009%). This variant has not been reported in the literature in individuals affected with TCAP-related conditions. Algorithms developed to predict the effect of missense changes on protein structure and function are either unavailable or do not agree on the potential impact of this missense change (SIFT: "Tolerated"; PolyPhen-2: "Probably Damaging"; Align-GVGD: "Class C0"). In summary, the available evidence is currently insufficient to determine the role of this variant in disease. Therefore, it has been classified as a Variant of Uncertain Significance.